The following is an entry in ClinVar:

NM_000116.5(TAFAZZIN):c.689G>T (p.Arg230Leu)

Gene: TAFAZZIN (tafazzin, phospholipid-lysophospholipid transacylase; plus strand). Cytogenetic location: Xq28.
Variant type: single nucleotide variant.
Coding change: c.689G>T on transcript NM_000116.5 (MANE Select); coding-DNA position 689, G replaced by T.
Protein change: p.Arg230Leu; replaces arginine 230 with leucine.
Molecular consequence: missense variant. On other transcripts: non-coding transcript variant (1).
Genome position (GRCh38, 1-based): chrX:154,420,254, G>T. VCF-style: chrX-154420254-G-T. GRCh37 (hg19) VCF-style: chrX-153648593-G-T.
Other names: c.701G>T, p.Arg234Leu (NM_001303465.2); c.653G>T, p.Arg218Leu (NM_001410698.1); c.599G>T, p.Arg200Leu (NM_181311.4); c.647G>T, p.Arg216Leu (NM_181312.4); c.557G>T, p.Arg186Leu (NM_181313.4); short protein forms R216L, R218L, R230L, R186L, R234L, R200L.
Identifiers: ClinVar variation 2626100 (VCV002626100.2), dbSNP rs782655300, ClinGen allele CA415185234.

ClinVar aggregate classification (germline): Uncertain significance (1 of 4 stars; one submission).

Conditions:
Cardiovascular phenotype. Identifiers: MedGen CN230736.

Submission:

Ambry Genetics
Classification: Uncertain significance for Cardiovascular phenotype. Last evaluated: 2023-08-11. Review status: criteria provided, single submitter. Criteria: Ambry Variant Classification Scheme 2023. Collection method: clinical testing. Allele origin: germline.
Comment: The p.R230L variant (also known as c.689G>T), located in coding exon 9 of the TAZ gene, results from a G to T substitution at nucleotide position 689. The arginine at codon 230 is replaced by leucine, an amino acid with dissimilar properties. This amino acid position is highly conserved in available vertebrate species. In addition, this alteration is predicted to be deleterious by in silico analysis. Since supporting evidence is limited at this time, the clinical significance of this alteration remains unclear.